The following is an entry in ClinVar:

ClinVar aggregate classification (germline): Benign/Likely benign. Review status: criteria provided, multiple submitters, no conflicts (2 of 4 stars). 4 submissions from 4 submitters: Benign (2); Likely benign (2). Last evaluated 2026-01-26.

Conditions:
NBAS-related disorder. Also called: NBAS-related condition.

Allele frequency attached by ClinVar (database versions not stated): TOPMed 0.00002; gnomAD 0.00004 and 0.00014; 1000 Genomes Project 0.00100; 1000 Genomes Project 30x 0.00109.
gnomAD v4.1: 386 of 1,614,188 alleles (0.024%); highest among the groups gnomAD compares: South Asian, 0.27%; 4 homozygotes.

Submissions (4):

Labcorp Genetics (formerly Invitae), Labcorp
Classification: Benign. Last evaluated: 2026-01-26. Review status: criteria provided, single submitter. Criteria: Invitae Variant Classification Sherloc (09022015). Collection method: clinical testing. Allele origin: germline.

CeGaT Center for Human Genetics Tuebingen
Classification: Likely benign. Last evaluated: 2025-01-01. Review status: criteria provided, single submitter. Criteria: CeGaT Center For Human Genetics Tuebingen Variant Classification Criteria Version 2. Collection method: clinical testing. Allele origin: germline. Affected: yes. Observed: 1 variant allele.
Comment: NBAS: BP4

PreventionGenetics, part of Exact Sciences
Classification: Likely benign for NBAS-related condition. Last evaluated: 2024-10-17. Review status: criteria provided, single submitter. Criteria: ACMG Guidelines, 2015. Collection method: clinical testing. Allele origin: germline.
Comment: This variant is classified as likely benign based on ACMG/AMP sequence variant interpretation guidelines (Richards et al. 2015 PMID: 25741868, with internal and published modifications).

Breakthrough Genomics
Classification: Benign. Review status: criteria provided, single submitter. Criteria: ACMG Guidelines, 2015. Collection method: not provided. Allele origin: germline. Inheritance: Autosomal recessive inheritance. Affected: yes.

NM_015909.4(NBAS):c.6854A>G (p.Asn2285Ser)

Gene: NBAS (NBAS subunit of NRZ tethering complex; minus strand). Cytogenetic location: 2p24.3.
Variant type: single nucleotide variant.
Coding change: c.6854A>G on transcript NM_015909.4 (MANE Select); coding-DNA position 6854, A replaced by G.
Protein change: p.Asn2285Ser; replaces asparagine 2285 with serine.
Molecular consequence: missense variant. On other transcripts: non-coding transcript variant (1).
Genome position (GRCh38, 1-based): chr2:15,167,310, T>C on the plus strand (A>G on the coding strand, the complement: NBAS is on the minus strand). VCF-style: chr2-15167310-T-C. GRCh37 (hg19) VCF-style: chr2-15307434-T-C.
Other names: short protein forms N2285S.
Identifiers: ClinVar variation 752037 (VCV000752037.24), dbSNP rs368395181, ClinGen allele CA1534828.
Genomic context (GRCh38, chr2:15,167,310, plus strand): 5'-GAGACACACTTCACCAGCAGCTTGGCATCCAGGAGCAGGGAAAGAAGTTCTTGGTCACAA[T>C]TGGAATCATTCACCTTCAAGAAATAAGACAGGCACAGCGTGAGGGGGTGTTTGCTTTGTT-3'
Protein context (NP_056993.2, residues 2275-2295): ITAVTTVNDS[Asn2285Ser]CDQELLSLLL